The following is an entry in ClinVar:

ClinVar aggregate classification (germline): Benign. Review status: criteria provided, multiple submitters, no conflicts (2 of 4 stars). 3 submissions from 3 submitters: Benign (3). Last evaluated 2025-12-09.

Conditions:
Dilated cardiomyopathy 1JJ (CMD1JJ). Identifiers: Orphanet 154, MedGen C3808935, MONDO:0014095, OMIM 615235.

Allele frequency attached by ClinVar (database versions not stated): gnomAD exomes 0.00007 and 0.00018; ExAC 0.00021; 1000 Genomes Project 30x 0.00031; 1000 Genomes Project 0.00040; gnomAD 0.00075 and 0.00084; TOPMed 0.00079; ESP Exome Variant Server 0.00092.
gnomAD v4.1: 219 of 1,610,366 alleles (0.014%); highest among the groups gnomAD compares: African/African-American, 0.26%; no homozygotes.

Submissions (3):

Labcorp Genetics (formerly Invitae), Labcorp
Classification: Benign for Dilated cardiomyopathy 1JJ. Last evaluated: 2025-12-09. Review status: criteria provided, single submitter. Criteria: Invitae Variant Classification Sherloc (09022015). Collection method: clinical testing. Allele origin: germline.

Women's Health and Genetics/Laboratory Corporation of America, LabCorp
Classification: Benign. Last evaluated: 2025-06-23. Review status: criteria provided, single submitter. Criteria: LabCorp Variant Classification Summary - May 2015. Collection method: clinical testing. Allele origin: germline.

GeneDx
Classification: Benign. Last evaluated: 2017-03-07. Review status: criteria provided, single submitter. Criteria: GeneDx Variant Classification (06012015). Collection method: clinical testing. Allele origin: germline. Affected: yes.
Comment: This variant is considered likely benign or benign based on one or more of the following criteria: it is a conservative change, it occurs at a poorly conserved position in the protein, it is predicted to be benign by multiple in silico algorithms, and/or has population frequency not consistent with disease.

NM_001105206.3(LAMA4):c.3834+19C>G

Gene: LAMA4 (laminin subunit alpha 4; minus strand). Cytogenetic location: 6q21.
Variant type: single nucleotide variant.
Coding change: c.3834+19C>G on transcript NM_001105206.3 (MANE Select); 19 bases into the intron after coding-DNA position 3834, C replaced by G.
Molecular consequence: intron variant.
Genome position (GRCh38, 1-based): chr6:112,132,734, G>C on the plus strand (C>G on the coding strand, the complement: LAMA4 is on the minus strand). VCF-style: chr6-112132734-G-C. GRCh37 (hg19) VCF-style: chr6-112453936-G-C.
Other names: c.3813+19C>G (NM_002290.5, NM_001105207.3, LRG_433t2).
Identifiers: ClinVar variation 516439 (VCV000516439.10), dbSNP rs187178059, ClinGen allele CA3965119.